The following is an entry in ClinVar:

ClinVar aggregate classification (germline): Pathogenic. Review status: reviewed by expert panel (3 of 4 stars). 2 submissions from 2 submitters: Pathogenic (1). 1 of the submissions does not count toward it. Last evaluated 2026-04-23.

Conditions:
Pitt-Hopkins syndrome (PTHS). Also called: MENTAL RETARDATION, SYNDROMAL, WITH INTERMITTENT HYPERVENTILATION; ENCEPHALOPATHY, SEVERE EPILEPTIC, WITH AUTONOMIC DYSFUNCTION. Identifiers: Orphanet 2896, MedGen C1970431, MONDO:0012589, OMIM 610954.

Submissions (2):

ClinGen Rett and Angelman-like Disorders Variant Curation Expert Panel
Classification: Pathogenic for Pitt-Hopkins syndrome. Last evaluated: 2026-04-23. Review status: reviewed by expert panel. Criteria: ClinGen RettAS ACMG Specifications TCF4 V5.0.0. Collection method: curation. Allele origin: germline. Inheritance: Autosomal dominant inheritance.
Comment: The p.Gln670HisfsTer? variant causes a change in the length of the protein due to a read through of the stop codon and an elongated mRNA transcript of TCF4 (PVS1). The p.Gln670HisfsTer? variant in TCF4 occurs in the de novo state (biological parentage confirmed) in an individual previously tested at GeneDx (PS2). The p.Gln670HisfsTer? variant in TCF4 is absent from gnomAD v4.1.1 (PM2_Supporting). In summary, the p.Gln670HisfsTer? variant in TCF4 is classified as pathogenic for Pitt-Hopkins syndrome based on the ACMG/AMP criteria (PVS1, PS2, PM2_supporting). (TCF4 Specifications v5.0; curation approved on 4/23/2026)

GeneDx
Classification: Likely pathogenic. Last evaluated: 2017-02-16. Review status: criteria provided, single submitter. Criteria: GeneDx Variant Classification (06012015). Collection method: clinical testing. Allele origin: germline. Affected: yes. Not counted in ClinVar's aggregate classification.
Comment: The c.2010_2011delGA variant in the TCF4 gene has not been reported previously as a pathogenic variant nor as a benign variant, to our knowledge. The c.2010_2011delGA variant in the TCF4 gene variant causes a frameshift starting with codon Glutamine 670, changes this amino acid to a Histidine residue, and creates a premature Stop codon at position 40 of the new reading frame, denoted p.Gln670HisfsX40. This frameshift variant replaces the typical last two amino acid residues in the TCF4 protein with 39 incorrect amino acid residues. This change is expected to alter the normal structure and function of the resultant protein. The c.2010_2011delGA variant in the TCF4 gene variant is not observed in large population cohorts (Lek et al., 2016; 1000 Genomes Consortium et al., 2015; Exome Variant Server). We interpret c.2010_2011delGA variant in the TCF4 gene as a likely pathogenic variant.

NM_001083962.2(TCF4):c.2010_2011del (p.Gln670fs)

Gene: TCF4 (transcription factor 4; minus strand). Cytogenetic location: 18q21.2.
Variant type: Deletion.
Coding change: c.2010_2011del on transcript NM_001083962.2 (MANE Select); coding-DNA positions 2010 to 2011, 2 bases deleted (GA; older notation c.2010_2011delGA).
Protein change: p.Gln670fs; shifts the reading frame from glutamine 670.
Molecular consequence: frameshift variant.
Genome position (GRCh38, 1-based): chr18:55,228,230-55,228,231, TC deleted on the plus strand (GA on the coding strand, the reverse complement: TCF4 is on the minus strand); deleting any 2 consecutive bases within chr18:55,228,230-55,228,232 gives the same sequence; the c. name uses the placement nearest the transcript's 3' end. VCF-style (leftmost placement, unchanged base first): chr18-55228229-ATC-A. GRCh37 (hg19) VCF-style: chr18-52895460-ATC-A.
Other names: NM_001083962.2(TCF4):c.2010_2011del; p.Gln670fs; c.1926_1927del, p.Gln642fs (NM_001306207.1, NM_001348219.2, NM_001369582.1 and 1 more transcripts); c.1785_1786del, p.Gln595fs (NM_001306208.1); c.2007_2008del, p.Gln669fs (NM_001330604.3, NM_001369569.1, NM_001369570.1); c.1620_1621del, p.Gln540fs (NM_001330605.3, NM_001348213.2); c.1884_1885del, p.Gln628fs (NM_001348211.2); c.1608_1609del, p.Gln536fs (NM_001348212.2, NM_001243233.2); and 16 more; short protein forms Q506fs, Q536fs, Q628fs, Q642fs, Q595fs, Q624fs, Q772fs, Q505fs.
Identifiers: ClinVar variation 207545 (VCV000207545.6), dbSNP rs796053429, ClinGen allele CA319121.